The following is an entry in ClinVar:

NM_005633.4(SOS1):c.3440T>C (p.Val1147Ala)

Gene: SOS1 (SOS Ras/Rac guanine nucleotide exchange factor 1; minus strand). Cytogenetic location: 2p22.1.
Variant type: single nucleotide variant.
Coding change: c.3440T>C on transcript NM_005633.4 (MANE Select); coding-DNA position 3440, T replaced by C.
Protein change: p.Val1147Ala; replaces valine 1147 with alanine.
Molecular consequence: missense variant.
Genome position (GRCh38, 1-based): chr2:38,987,543, A>G on the plus strand (T>C on the coding strand, the complement: SOS1 is on the minus strand). VCF-style: chr2-38987543-A-G. GRCh37 (hg19) VCF-style: chr2-39214684-A-G.
Other names: c.3419T>C, p.Val1140Ala (NM_001382394.1); c.3395T>C, p.Val1132Ala (NM_001382395.1); short protein forms V1147A, V1132A, V1140A.
Identifiers: ClinVar variation 582068 (VCV000582068.8), dbSNP rs1558455818, ClinGen allele CA346359704.

ClinVar aggregate classification (germline): Uncertain significance (1 of 4 stars; one submission).

Conditions:
RASopathy. Also called: rasopathies; Noonan spectrum disorder. Identifiers: Orphanet 536391, MedGen C5555857, MONDO:0021060.

Submission:

Labcorp Genetics (formerly Invitae), Labcorp
Classification: Uncertain significance for RASopathy. Last evaluated: 2018-04-11. Review status: criteria provided, single submitter. Criteria: Invitae Variant Classification Sherloc (09022015). Collection method: clinical testing. Allele origin: germline.
Comment: This sequence change replaces valine with alanine at codon 1147 of the SOS1 protein (p.Val1147Ala). The valine residue is weakly conserved and there is a small physicochemical difference between valine and alanine. This variant is not present in population databases (ExAC no frequency). This variant has not been reported in the literature in individuals with SOS1-related disease. Algorithms developed to predict the effect of missense changes on protein structure and function output the following: SIFT: "Tolerated"; PolyPhen-2: "Benign"; Align-GVGD: "Class C0". The alanine amino acid residue is found in multiple mammalian species, suggesting that this missense change does not adversely affect protein function. These predictions have not been confirmed by published functional studies and their clinical significance is uncertain. In summary, the available evidence is currently insufficient to determine the role of this variant in disease. Therefore, it has been classified as a Variant of Uncertain Significance.